The following is an entry in ClinVar:

NM_014249.4(NR2E3):c.224_225insTA (p.Arg76fs)

Gene: NR2E3 (nuclear receptor subfamily 2 group E member 3; plus strand). Cytogenetic location: 15q23.
Variant type: Insertion.
Coding change: c.224_225insTA on transcript NM_014249.4 (MANE Select); coding-DNA positions 224 to 225, TA inserted.
Protein change: p.Arg76fs; shifts the reading frame from arginine 76.
Molecular consequence: frameshift variant.
Genome position: GRCh38 VCF-style: chr15-71811588-T-TTA. GRCh37 (hg19) VCF-style: chr15-72103928-T-TTA.
Other names: c.224_225insTA, p.Arg76fs (NM_016346.4); short protein forms R76fs.
Identifiers: ClinVar variation 2739385 (VCV002739385.3), dbSNP rs2543253366, ClinGen allele CA2697549189.
Genomic context (GRCh38, chr15:71,811,588, plus strand): 5'-GCGGGAAGCACTATGGCATCTATGCCTGCAACGGCTGCAGCGGCTTCTTCAAGAGGAGCG[T>TTA]ACGGCGGAGGCTCATCTACAGGTGAGTGCGGTGGGCCCTGCTGGGCGTCTGCCCCTGAGG-3'

ClinVar aggregate classification (germline): Pathogenic (1 of 4 stars; one submission).

Submission:

Labcorp Genetics (formerly Invitae), Labcorp
Classification: Pathogenic. Last evaluated: 2023-07-09. Review status: criteria provided, single submitter. Criteria: Invitae Variant Classification Sherloc (09022015). Collection method: clinical testing. Allele origin: germline.
Comment: This sequence change creates a premature translational stop signal (p.Arg76Asnfs*31) in the NR2E3 gene. It is expected to result in an absent or disrupted protein product. Loss-of-function variants in NR2E3 are known to be pathogenic (PMID: 15459973, 27522502). This variant is not present in population databases (gnomAD no frequency). For these reasons, this variant has been classified as Pathogenic. This variant has not been reported in the literature in individuals affected with NR2E3-related conditions.

Literature cited by the submitters: PubMed 15459973; PubMed 27522502.